The following is an entry in ClinVar:

NM_030928.4(CDT1):c.814G>A (p.Glu272Lys)

Gene: CDT1 (chromatin licensing and DNA replication factor 1; plus strand). Cytogenetic location: 16q24.3.
Variant type: single nucleotide variant.
Coding change: c.814G>A on transcript NM_030928.4 (MANE Select); coding-DNA position 814, G replaced by A.
Protein change: p.Glu272Lys; replaces glutamic acid 272 with lysine.
Molecular consequence: missense variant.
Genome position (GRCh38, 1-based): chr16:88,805,851, G>A. VCF-style: chr16-88805851-G-A. GRCh37 (hg19) VCF-style: chr16-88872259-G-A.
Other names: c.814G>A (NM_030928.3); short protein forms E272K.
Identifiers: ClinVar variation 1432551 (VCV001432551.5), dbSNP rs377367421, ClinGen allele CA8233830.

ClinVar aggregate classification (germline): Uncertain significance. Review status: criteria provided, multiple submitters, no conflicts (2 of 4 stars). 2 submissions from 2 submitters: Uncertain significance (2). Last evaluated 2024-11-23.

Conditions:
Inborn genetic diseases. Identifiers: MedGen C0950123, MeSH D030342.

Allele frequency attached by ClinVar (database versions not stated): gnomAD exomes 0.00003.
gnomAD v4.1: 136 of 1,612,980 alleles (0.0084%); highest among the groups gnomAD compares: Non-Finnish European, 0.011%; no homozygotes.

Submissions (2):

Ambry Genetics
Classification: Uncertain significance for Inborn genetic diseases. Last evaluated: 2024-11-23. Review status: criteria provided, single submitter. Criteria: Ambry Variant Classification Scheme 2023. Collection method: clinical testing. Allele origin: germline.

Labcorp Genetics (formerly Invitae), Labcorp
Classification: Uncertain significance. Last evaluated: 2021-09-17. Review status: criteria provided, single submitter. Criteria: Invitae Variant Classification Sherloc (09022015). Collection method: clinical testing. Allele origin: germline.
Comment: This sequence change replaces glutamic acid with lysine at codon 272 of the CDT1 protein (p.Glu272Lys). The glutamic acid residue is moderately conserved and there is a small physicochemical difference between glutamic acid and lysine. This variant is present in population databases (rs377367421, ExAC 0.003%). This variant has not been reported in the literature in individuals affected with CDT1-related conditions. Algorithms developed to predict the effect of missense changes on protein structure and function (SIFT, PolyPhen-2, Align-GVGD) all suggest that this variant is likely to be tolerated. In summary, the available evidence is currently insufficient to determine the role of this variant in disease. Therefore, it has been classified as a Variant of Uncertain Significance.